The following is an entry in ClinVar:

ClinVar aggregate classification (germline): Uncertain significance (1 of 4 stars; one submission).

Allele frequency attached by ClinVar (database versions not stated): ExAC 0.00001.
gnomAD v4.1: 4 of 1,612,748 alleles (0.00025%); highest among the groups gnomAD compares: Non-Finnish European, 0.00034%; no homozygotes.

Submission:

Labcorp Genetics (formerly Invitae), Labcorp
Classification: Uncertain significance. Last evaluated: 2024-02-17. Review status: criteria provided, single submitter. Criteria: Invitae Variant Classification Sherloc (09022015). Collection method: clinical testing. Allele origin: germline.
Comment: This sequence change replaces alanine, which is neutral and non-polar, with glutamic acid, which is acidic and polar, at codon 1155 of the RIMS1 protein (p.Ala1155Glu). This variant is present in population databases (rs754554575, gnomAD 0.0009%). This missense change has been observed in individual(s) with clinical features of retinitis pigmentosa (Invitae). ClinVar contains an entry for this variant (Variation ID: 1360078). An algorithm developed to predict the effect of missense changes on protein structure and function (PolyPhen-2) suggests that this variant is likely to be disruptive. In summary, the available evidence is currently insufficient to determine the role of this variant in disease. Therefore, it has been classified as a Variant of Uncertain Significance.

NM_014989.7(RIMS1):c.3464C>A (p.Ala1155Glu)

Gene: RIMS1 (regulating synaptic membrane exocytosis 1; plus strand). Cytogenetic location: 6q13.
Variant type: single nucleotide variant.
Coding change: c.3464C>A on transcript NM_014989.7 (MANE Select); coding-DNA position 3464, C replaced by A.
Protein change: p.Ala1155Glu; replaces alanine 1155 with glutamic acid.
Molecular consequence: missense variant. On other transcripts: intron variant (58).
Genome position (GRCh38, 1-based): chr6:72,274,414, C>A. VCF-style: chr6-72274414-C-A. GRCh37 (hg19) VCF-style: chr6-72984117-C-A.
Other names: c.1691C>A, p.Ala564Glu (NM_001350415.2, NM_001350445.2); c.1694C>A, p.Ala565Glu (NM_001350433.2); c.1628C>A, p.Ala543Glu (NM_001350435.2); c.1622C>A, p.Ala541Glu (NM_001350437.2); c.1559+8365C>A (NM_001350428.2, NM_001350459.2, NM_001350424.2 and 1 more transcripts); c.1556+8365C>A (NM_001350430.2, NM_001350421.2, NM_001350450.2); c.1706+8365C>A (NM_001350458.2); c.1628+8365C>A (NM_001350446.2, NM_001350442.2, NM_001350416.2 and 7 more transcripts); and 20 more; short protein forms A564E, A543E, A1155E, A541E, A565E.
Identifiers: ClinVar variation 1360078 (VCV001360078.8), dbSNP rs754554575, ClinGen allele CA3886250.